The following is an entry in ClinVar:

ClinVar aggregate classification (germline): Uncertain significance. Review status: criteria provided, multiple submitters, no conflicts (2 of 4 stars). 2 submissions from 2 submitters: Uncertain significance (2). Last evaluated 2024-08-27.

Conditions:
Combined immunodeficiency due to LRBA deficiency. Also called: Common variable immunodeficiency 8, with autoimmunity. Identifiers: Orphanet 445018, MedGen C3553512, MONDO:0013863, OMIM 614700.
Inborn genetic diseases. Identifiers: MedGen C0950123, MeSH D030342.

Allele frequency attached by ClinVar (database versions not stated): gnomAD 0.00003; ExAC 0.00005; TOPMed 0.00005.
gnomAD v4.1: 16 of 1,601,984 alleles (0.001%); highest among the groups gnomAD compares: East Asian, 0.023%; no homozygotes.

Submissions (2):

Ambry Genetics
Classification: Uncertain significance for Inborn genetic diseases. Last evaluated: 2024-08-27. Review status: criteria provided, single submitter. Criteria: Ambry Variant Classification Scheme 2023. Collection method: clinical testing. Allele origin: germline.

Labcorp Genetics (formerly Invitae), Labcorp
Classification: Uncertain significance for Combined immunodeficiency due to LRBA deficiency. Last evaluated: 2022-06-22. Review status: criteria provided, single submitter. Criteria: Invitae Variant Classification Sherloc (09022015). Collection method: clinical testing. Allele origin: germline.
Comment: In summary, the available evidence is currently insufficient to determine the role of this variant in disease. Therefore, it has been classified as a Variant of Uncertain Significance. Algorithms developed to predict the effect of missense changes on protein structure and function are either unavailable or do not agree on the potential impact of this missense change (SIFT: "Tolerated"; PolyPhen-2: "Possibly Damaging"; Align-GVGD: "Class C0"). This variant has not been reported in the literature in individuals affected with LRBA-related conditions. This variant is present in population databases (rs777959133, gnomAD 0.08%). This sequence change replaces serine, which is neutral and polar, with leucine, which is neutral and non-polar, at codon 730 of the LRBA protein (p.Ser730Leu).

NM_001364905.1(LRBA):c.2189C>T (p.Ser730Leu)

Gene: LRBA (LPS responsive beige-like anchor protein; minus strand). Cytogenetic location: 4q31.3.
Variant type: single nucleotide variant.
Coding change: c.2189C>T on transcript NM_001364905.1 (MANE Select); coding-DNA position 2189, C replaced by T.
Protein change: p.Ser730Leu; replaces serine 730 with leucine.
Molecular consequence: missense variant.
Genome position (GRCh38, 1-based): chr4:150,872,732, G>A on the plus strand (C>T on the coding strand, the complement: LRBA is on the minus strand). VCF-style: chr4-150872732-G-A. GRCh37 (hg19) VCF-style: chr4-151793884-G-A.
Other names: c.2189C>T, p.Ser730Leu (NM_001199282.3, NM_001367550.1, NM_006726.5); short protein forms S730L.
Identifiers: ClinVar variation 2190217 (VCV002190217.3), dbSNP rs777959133, ClinGen allele CA3103333.